The following is an entry in ClinVar:

NC_000004.11:g.(?_493125)_(517722_?)dup

Genes: PIGG (phosphatidylinositol glycan anchor biosynthesis class G (EMM blood group); plus strand), ZNF721 (zinc finger protein 721; minus strand). Cytogenetic location: 4p16.3.
Variant type: Duplication.
Identifiers: ClinVar variation 2423744 (VCV002423744.3).

ClinVar aggregate classification (germline): Uncertain significance (1 of 4 stars; one submission).

Conditions:
Intellectual disability, autosomal recessive 53 (NEDHSCA). Also called: GLYCOSYLPHOSPHATIDYLINOSITOL BIOSYNTHESIS DEFECT 13; Mental retardation, autosomal recessive 53; NEURODEVELOPMENTAL DISORDER WITH OR WITHOUT HYPOTONIA, SEIZURES, AND CEREBELLAR ATROPHY. Identifiers: Orphanet 488635, MedGen C4310794, MONDO:0014832, OMIM 616917.

Submission:

Labcorp Genetics (formerly Invitae), Labcorp
Classification: Uncertain significance for Intellectual disability, autosomal recessive 53. Last evaluated: 2022-07-17. Review status: criteria provided, single submitter. Criteria: Invitae Variant Classification Sherloc (09022015). Collection method: clinical testing. Allele origin: germline.
Comment: This variant results in a copy number gain of the genomic region encompassing exon(s) 1-9 of the PIGG gene. This region includes the initiator codon of the gene. This copy number gain extends beyond the assayed region for this gene and therefore may encompass additional genes. As the precise location of this event is unknown, it may be in tandem or it may be located elsewhere in the genome. In summary, the available evidence is currently insufficient to determine the role of this variant in disease. Therefore, it has been classified as a Variant of Uncertain Significance. This variant has not been reported in the literature in individuals affected with PIGG-related conditions.